The following is an entry in ClinVar:

NM_004237.4(TRIP13):c.250G>A (p.Asp84Asn)

Gene: TRIP13 (thyroid hormone receptor interactor 13; plus strand). Cytogenetic location: 5p15.33.
Variant type: single nucleotide variant.
Coding change: c.250G>A on transcript NM_004237.4 (MANE Select); coding-DNA position 250, G replaced by A.
Protein change: p.Asp84Asn; replaces aspartic acid 84 with asparagine.
Molecular consequence: missense variant.
Genome position (GRCh38, 1-based): chr5:894,944, G>A. VCF-style: chr5-894944-G-A. GRCh37 (hg19) VCF-style: chr5-895059-G-A.
Other names: c.250G>A, p.Asp84Asn (NM_001166260.2); short protein forms D84N.
Identifiers: ClinVar variation 3638274 (VCV003638274.2).

ClinVar aggregate classification (germline): Uncertain significance (1 of 4 stars; one submission).

gnomAD v4.1: 1 of 1,606,786 alleles (0.000062%); highest among the groups gnomAD compares: Non-Finnish European, 0.000085%; no homozygotes.

Submission:

Labcorp Genetics (formerly Invitae), Labcorp
Classification: Uncertain significance. Last evaluated: 2024-02-02. Review status: criteria provided, single submitter. Criteria: Invitae Variant Classification Sherloc (09022015). Collection method: clinical testing. Allele origin: germline.
Comment: This sequence change replaces aspartic acid, which is acidic and polar, with asparagine, which is neutral and polar, at codon 84 of the TRIP13 protein (p.Asp84Asn). This variant is not present in population databases (gnomAD no frequency). This variant has not been reported in the literature in individuals affected with TRIP13-related conditions. An algorithm developed to predict the effect of missense changes on protein structure and function (PolyPhen-2) suggests that this variant is likely to be tolerated. In summary, the available evidence is currently insufficient to determine the role of this variant in disease. Therefore, it has been classified as a Variant of Uncertain Significance.